The following is an entry in ClinVar:

NM_001127715.4(STXBP5):c.1234C>G (p.Leu412Val)

Gene: STXBP5 (syntaxin binding protein 5; plus strand). Cytogenetic location: 6q24.3.
Variant type: single nucleotide variant.
Coding change: c.1234C>G on transcript NM_001127715.4 (MANE Select); coding-DNA position 1234, C replaced by G.
Protein change: p.Leu412Val; replaces leucine 412 with valine.
Molecular consequence: missense variant.
Genome position (GRCh38, 1-based): chr6:147,313,972, C>G. VCF-style: chr6-147313972-C-G. GRCh37 (hg19) VCF-style: chr6-147635108-C-G.
Other names: c.1234C>G (NM_001127715.2); c.1234C>G, p.Leu412Val (NM_001394409.1, NM_139244.6); short protein forms L412V.
Identifiers: ClinVar variation 2656981 (VCV002656981.25), dbSNP rs144099092, ClinGen allele CA4038963.
Genomic context (GRCh38, chr6:147,313,972, plus strand): 5'-TTGAGTATACATGAGTCCCCTGTTACATGTTGCGAATATTTTGCGGATTGTCCTGTGGAC[C>G]TTATTCCTGCACTTTATTCTGTTGGAGCTAGACAGAAACGTCAAGGTTACAGCAAAAAGG-3'
Protein context (NP_001121187.1, residues 402-422): CEYFADCPVD[Leu412Val]IPALYSVGAR

ClinVar aggregate classification (germline): Likely benign. Review status: criteria provided, single submitter (1 of 4 stars). 2 submissions from 2 submitters: Likely benign (1). 1 of the submissions does not count toward it. Last evaluated 2023-02-01.

Conditions:
STXBP5-related disorder. Also called: STXBP5-related condition.

Allele frequency attached by ClinVar (database versions not stated): 1000 Genomes Project 30x 0.00078; 1000 Genomes Project 0.00100; TOPMed 0.00230; ESP Exome Variant Server 0.00308; gnomAD exomes 0.00308; gnomAD 0.00334; ExAC 0.00343.
gnomAD v4.1: 4,918 of 1,603,784 alleles (0.31%); highest among the groups gnomAD compares: Non-Finnish European, 0.36%; 15 homozygotes.

Submissions (2):

CeGaT Center for Human Genetics Tuebingen
Classification: Likely benign. Last evaluated: 2023-02-01. Review status: criteria provided, single submitter. Criteria: CeGaT Center For Human Genetics Tuebingen Variant Classification Criteria Version 2. Collection method: clinical testing. Allele origin: germline. Affected: yes. Observed: 1 variant allele.
Comment: STXBP5: BS2

PreventionGenetics, part of Exact Sciences
Classification: Likely benign for STXBP5-related condition. Last evaluated: 2019-06-06. Review status: no assertion criteria provided. Collection method: clinical testing. Allele origin: germline. Not counted in ClinVar's aggregate classification.
Comment: This variant is classified as likely benign based on ACMG/AMP sequence variant interpretation guidelines (Richards et al. 2015 PMID: 25741868, with internal and published modifications).